The following is an entry in ClinVar:

NM_002755.4(MAP2K1):c.138del (p.Gln46fs)

Gene: MAP2K1 (mitogen-activated protein kinase kinase 1; plus strand). Cytogenetic location: 15q22.31.
Variant type: Deletion.
Coding change: c.138del on transcript NM_002755.4 (MANE Select); coding-DNA position 138, one base deleted (G; older notation c.138delG).
Protein change: p.Gln46fs; shifts the reading frame from glutamine 46.
Molecular consequence: frameshift variant.
Genome position (GRCh38, 1-based): chr15:66,435,084, G deleted. VCF-style (leftmost placement, unchanged base first): chr15-66435083-AG-A. GRCh37 (hg19) VCF-style: chr15-66727421-AG-A.
Other names: c.72del, p.Gln24fs (NM_001411065.1); short protein forms Q24fs, Q46fs.
Identifiers: ClinVar variation 2697502 (VCV002697502.3), dbSNP rs2545050858, ClinGen allele CA2697549135.
Genomic context (GRCh38, chr15:66,435,083, plus strand): 5'-ACAGGACCAACTTGGAGGCCTTGCAGAAGAAGCTGGAGGAGCTAGAGCTTGATGAGCAGC[AG>A]CGAAAGCGCCTTGAGGCCTTTCTTACCCAGAAGCAGAAGGTGGGAGAACTGAAGGATGAC-3'

ClinVar aggregate classification (germline): Uncertain significance (1 of 4 stars; one submission).

Conditions:
RASopathy. Also called: Noonan spectrum disorder; rasopathies. Identifiers: Orphanet 536391, MedGen C5555857, MONDO:0021060.

Submission:

Labcorp Genetics (formerly Invitae), Labcorp
Classification: Uncertain significance for RASopathy. Last evaluated: 2023-11-19. Review status: criteria provided, single submitter. Criteria: Invitae Variant Classification Sherloc (09022015). Collection method: clinical testing. Allele origin: germline.
Comment: This sequence change creates a premature translational stop signal (p.Gln46Hisfs*18) in the MAP2K1 gene. It is expected to result in an absent or disrupted protein product. However, the current clinical and genetic evidence is not sufficient to establish whether loss-of-function variants in MAP2K1 cause disease. This variant is not present in population databases (gnomAD no frequency). This variant has not been reported in the literature in individuals affected with MAP2K1-related conditions. In summary, the available evidence is currently insufficient to determine the role of this variant in disease. Therefore, it has been classified as a Variant of Uncertain Significance.